The following is an entry in ClinVar:

NM_022787.4(NMNAT1):c.38C>A (p.Ala13Asp)

Gene: NMNAT1 (nicotinamide nucleotide adenylyltransferase 1; plus strand). Cytogenetic location: 1p36.22.
Variant type: single nucleotide variant.
Coding change: c.38C>A on transcript NM_022787.4 (MANE Select); coding-DNA position 38, C replaced by A.
Protein change: p.Ala13Asp; replaces alanine 13 with aspartic acid.
Molecular consequence: missense variant.
Genome position (GRCh38, 1-based): chr1:9,972,111, C>A. VCF-style: chr1-9972111-C-A. GRCh37 (hg19) VCF-style: chr1-10032169-C-A.
Other names: c.38C>A, p.Ala13Asp (NM_001297778.1, NM_001297779.2); short protein forms A13D.
Identifiers: ClinVar variation 1376825 (VCV001376825.6), dbSNP rs1641702737, ClinGen allele CA338683361.
Genomic context (GRCh38, chr1:9,972,111, plus strand): 5'-ATCAACAACTTCAAGTTCTTACCATGGAAAATTCCGAGAAGACTGAAGTGGTTCTCCTTG[C>A]TTGTGGTTCATTCAATCCCATCACCAACATGCACCTCAGGTTGTTTGAGCTGGCCAAGGA-3'
Protein context (NP_073624.2, residues 3-23): NSEKTEVVLL[Ala13Asp]CGSFNPITNM

ClinVar aggregate classification (germline): Likely pathogenic (1 of 4 stars; one submission).

Conditions:
Leber congenital amaurosis 9 (LCA9). Also called: LCA9 Leber Congenital Amaurosis; LCA 9; Amaurosis congenita of Leber, type 9. Identifiers: Orphanet 65, MedGen C1837873, MONDO:0012056, OMIM 608553.

Submission:

Labcorp Genetics (formerly Invitae), Labcorp
Classification: Likely pathogenic for Leber congenital amaurosis 9. Last evaluated: 2023-03-23. Review status: criteria provided, single submitter. Criteria: Invitae Variant Classification Sherloc (09022015). Collection method: clinical testing. Allele origin: germline.
Comment: This sequence change replaces alanine, which is neutral and non-polar, with aspartic acid, which is acidic and polar, at codon 13 of the NMNAT1 protein (p.Ala13Asp). This variant is not present in population databases (gnomAD no frequency). This missense change has been observed in individual(s) with clinical features of Leber congenital amaurosis (Invitae). In at least one individual the data is consistent with being in trans (on the opposite chromosome) from a pathogenic variant. ClinVar contains an entry for this variant (Variation ID: 1376825). Advanced modeling of protein sequence and biophysical properties (such as structural, functional, and spatial information, amino acid conservation, physicochemical variation, residue mobility, and thermodynamic stability) performed at Invitae indicates that this missense variant is expected to disrupt NMNAT1 protein function. This variant disrupts the p.Ala13 amino acid residue in NMNAT1. Other variant(s) that disrupt this residue have been determined to be pathogenic (PMID: 22842227, 22842229; Invitae). This suggests that this residue is clinically significant, and that variants that disrupt this residue are likely to be disease-causing. In summary, the currently available evidence indicates that the variant is pathogenic, but additional data are needed to prove that conclusively. Therefore, this variant has been classified as Likely Pathogenic.

Literature cited by the submitters: PubMed 22842227; PubMed 22842229.